The following is an entry in ClinVar:

NM_014679.5(CEP57):c.814T>G (p.Ser272Ala)

Gene: CEP57 (centrosomal protein 57; plus strand). Cytogenetic location: 11q21.
Variant type: single nucleotide variant.
Coding change: c.814T>G on transcript NM_014679.5 (MANE Select); coding-DNA position 814, T replaced by G.
Protein change: p.Ser272Ala; replaces serine 272 with alanine.
Molecular consequence: missense variant. On other transcripts: intron variant (4).
Genome position (GRCh38, 1-based): chr11:95,822,505, T>G. VCF-style: chr11-95822505-T-G. GRCh37 (hg19) VCF-style: chr11-95555669-T-G.
Other names: c.787T>G, p.Ser263Ala (NM_001243776.2); c.733T>G, p.Ser245Ala (NM_001363604.2, NM_001440869.1, NM_001440870.1); c.706T>G, p.Ser236Ala (NM_001440871.1); c.697T>G, p.Ser233Ala (NM_001440872.1); c.634T>G, p.Ser212Ala (NM_001440873.1); c.625T>G, p.Ser209Ala (NM_001440875.1); c.616T>G, p.Ser206Ala (NM_001440877.1, NM_001440878.1); c.589T>G, p.Ser197Ala (NM_001440879.1); and 6 more; short protein forms S185A, S236A, S197A, S209A, S206A, S233A, S263A, S272A.
Identifiers: ClinVar variation 4845107 (VCV004845107.1).

ClinVar aggregate classification (germline): Uncertain significance (1 of 4 stars; one submission).

Conditions:
Inborn genetic diseases. Identifiers: MedGen C0950123, MeSH D030342.

Submission:

Ambry Genetics
Classification: Uncertain significance for Inborn genetic diseases. Last evaluated: 2026-02-19. Review status: criteria provided, single submitter. Criteria: Ambry Variant Classification Scheme 2023. Collection method: clinical testing. Allele origin: germline.
Comment: The p.S272A variant (also known as c.814T>G), located in coding exon 8 of the CEP57 gene, results from a T to G substitution at nucleotide position 814. The serine at codon 272 is replaced by alanine, an amino acid with similar properties. This amino acid position is conserved. In addition, this alteration is predicted to be tolerated by in silico analysis. Based on the available evidence, the clinical significance of this variant remains unclear.